The following is an entry in ClinVar:

NM_000455.5(STK11):c.375-7G>A

Gene: STK11 (serine/threonine kinase 11; plus strand). Cytogenetic location: 19p13.3.
Variant type: single nucleotide variant.
Coding change: c.375-7G>A on transcript NM_000455.5 (MANE Select); 7 bases into the intron before coding-DNA position 375, G replaced by A.
Molecular consequence: intron variant.
Genome position (GRCh38, 1-based): chr19:1,219,317, G>A. VCF-style: chr19-1219317-G-A. GRCh37 (hg19) VCF-style: chr19-1219316-G-A.
Identifiers: ClinVar variation 139330 (VCV000139330.69), dbSNP rs587781176, ClinGen allele CA022857.

ClinVar aggregate classification (germline): Conflicting classifications of pathogenicity. Review status: criteria provided, conflicting classifications (1 of 4 stars). 16 submissions from 16 submitters: Uncertain significance (2); Benign (2); Likely benign (11). 1 of the submissions does not count toward it. Last evaluated 2026-02-03.

Conditions:
Familial ovarian cancer. Identifiers: MedGen C5679802, MONDO:0016248.
Hereditary cancer-predisposing syndrome. Also called: Tumor predisposition; Hereditary neoplastic syndrome; Hereditary Cancer Syndrome; Neoplastic Syndromes, Hereditary. Identifiers: Orphanet 140162, MedGen C0027672, MeSH D009386, MONDO:0015356.
Hereditary breast ovarian cancer syndrome. Also called: Hereditary breast and ovarian cancer; Hereditary breast and/or ovarian cancer syndrome; BRCA1- and BRCA2-Associated Hereditary Breast and Ovarian Cancer; Hereditary breast and ovarian cancer syndrome (HBOC); Hereditary breast and ovarian cancer syndrome; Breast and ovarian cancer. Identifiers: Orphanet 145, MedGen C0677776, MeSH D061325, MONDO:0003582. Disease mechanism: loss of function.
Peutz-Jeghers syndrome (PJS). Also called: Peutz-Jeghers polyposis; Periorificial lentiginosis syndrome; POLYPOSIS, HAMARTOMATOUS INTESTINAL; POLYPS-AND-SPOTS SYNDROME. Identifiers: Orphanet 2869, MedGen C0031269, MeSH D010580, MONDO:0008280, OMIM 175200.

Allele frequency attached by ClinVar (database versions not stated): gnomAD 0.00005 and 0.00007; TOPMed 0.00007; ExAC 0.00014.

Submissions (16):

Labcorp Genetics (formerly Invitae), Labcorp
Classification: Likely benign for Peutz-Jeghers syndrome. Last evaluated: 2026-02-03. Review status: criteria provided, single submitter. Criteria: Invitae Variant Classification Sherloc (09022015). Collection method: clinical testing. Allele origin: germline.

Center for Genomic Medicine, Rigshospitalet, Copenhagen University Hospital
Classification: Likely benign. Last evaluated: 2025-12-29. Review status: criteria provided, single submitter. Criteria: ACMG Guidelines, 2015. Collection method: clinical testing. Allele origin: germline.

German Consortium for Hereditary Breast and Ovarian Cancer, University Hospital Cologne
Classification: Uncertain significance for Hereditary breast ovarian cancer syndrome. Last evaluated: 2025-12-09. Review status: criteria provided, single submitter. Criteria: ACMG Guidelines, 2015. Collection method: curation. Allele origin: germline.
Comment: This classification follows the ACMG SVI adaptation classification scheme; We chose these criteria: BP4 (supporting benign): SpliceAI < 0.1, BS1 (supporting benign): 132 het in gnomAD v4.1.0 + 1x hom

Blueprint Genetics
Classification: Likely benign. Last evaluated: 2024-05-21. Review status: criteria provided, single submitter. Criteria: ACMG Guidelines, 2015. Collection method: clinical testing. Allele origin: germline.

Myriad Genetics, Inc.
Classification: Uncertain significance for Peutz-Jeghers syndrome. Last evaluated: 2023-04-14. Review status: criteria provided, single submitter. Criteria: Myriad Autosomal Dominant, Autosomal Recessive and X-Linked Classification Criteria (2023). Collection method: clinical testing. Allele origin: unknown.
Comment: This variant is classified as a variant of uncertain significance as there is insufficient evidence to determine its impact on protein function and/or cancer risk.

CeGaT Center for Human Genetics Tuebingen
Classification: Likely benign. Last evaluated: 2023-01-01. Review status: criteria provided, single submitter. Criteria: CeGaT Center For Human Genetics Tuebingen Variant Classification Criteria Version 2. Collection method: clinical testing. Allele origin: germline. Affected: yes. Observed: 1 variant allele.
Comment: STK11: BP4, BS1

Quest Diagnostics Nichols Institute San Juan Capistrano
Classification: Benign. Last evaluated: 2022-10-27. Review status: criteria provided, single submitter. Criteria: Quest Diagnostics criteria. Collection method: clinical testing. Allele origin: unknown.

Genome-Nilou Lab
Classification: Likely benign for Peutz-Jeghers syndrome. Last evaluated: 2021-07-15. Review status: criteria provided, single submitter. Criteria: ACMG Guidelines, 2015. Collection method: clinical testing. Allele origin: germline. Affected: no.

Sema4
Classification: Likely benign for Hereditary cancer-predisposing syndrome. Last evaluated: 2021-07-05. Review status: criteria provided, single submitter. Criteria: Sema4 Curation Guidelines. Collection method: curation. Allele origin: germline.

Department of Pathology and Laboratory Medicine, Sinai Health System
Classification: Likely benign for familial ovarian cancer. Last evaluated: 2019-12-06. Review status: criteria provided, single submitter. Criteria: ACMG Guidelines, 2015. Collection method: clinical testing. Allele origin: germline. Affected: yes.

Mendelics
Classification: Likely benign for Peutz-Jeghers syndrome. Last evaluated: 2019-05-28. Review status: criteria provided, single submitter. Criteria: Mendelics Assertion Criteria 2017. Collection method: clinical testing. Allele origin: unknown.

PreventionGenetics, part of Exact Sciences
Classification: Likely benign. Last evaluated: 2018-01-17. Review status: criteria provided, single submitter. Criteria: ACMG Guidelines, 2015. Collection method: clinical testing. Allele origin: germline.

Women's Health and Genetics/Laboratory Corporation of America, LabCorp
Classification: Likely benign. Last evaluated: 2017-02-02. Review status: criteria provided, single submitter. Criteria: LabCorp Variant Classification Summary - May 2015. Collection method: clinical testing. Allele origin: germline.
Comment: Variant summary: The STK11 c.375-7G>A variant involves the alteration of a non-conserved intronic nucleotide. One in silico tool predicts a damaging outcome for this variant. 5/5 splice prediction tools predict no significant impact on normal splicing. However, these predictions have yet to be confirmed by functional studies. This variant was found in 4/29158 control chromosomes (1 homozygote) at a frequency of 0.0001372, which is approximately 22 times the estimated maximal expected allele frequency of a pathogenic STK11 variant (0.0000063), suggesting this variant is likely a benign polymorphism. In addition, multiple clinical diagnostic laboratories/reputable databases classified this variant as benign/likley benign. The variant was reported in one publication in an endometrial cancer patient, without strong evidence for causality (Ring_2016). While the small number of individuals in ExAC with this variant does not allow for the conclusive classification of benign, this variant has been classified as Likely Benign.

Color Diagnostics, LLC DBA Color Health
Classification: Likely benign for Hereditary cancer-predisposing syndrome. Last evaluated: 2016-05-24. Review status: criteria provided, single submitter. Criteria: ACMG Guidelines, 2015. Collection method: clinical testing. Allele origin: germline.

GeneDx
Classification: Benign. Last evaluated: 2014-03-20. Review status: criteria provided, single submitter. Criteria: GeneDx Variant Classification (06012015). Collection method: clinical testing. Allele origin: germline. Affected: yes.
Comment: This variant is considered likely benign or benign based on one or more of the following criteria: it is a conservative change, it occurs at a poorly conserved position in the protein, it is predicted to be benign by multiple in silico algorithms, and/or has population frequency not consistent with disease.

Counsyl
Classification: Likely benign for Peutz-Jeghers syndrome. Last evaluated: 2016-08-01. Review status: no assertion criteria provided. Collection method: clinical testing. Allele origin: unknown. Not counted in ClinVar's aggregate classification.

Literature cited by the submitters: PubMed 27443514 (cited by 3 submitters).